The following is an entry in ClinVar:

NM_001377304.1(GFI1B):c.692G>T (p.Arg231Leu)

Gene: GFI1B (growth factor independent 1B transcriptional repressor; plus strand). Cytogenetic location: 9q34.13.
Variant type: single nucleotide variant.
Coding change: c.692G>T on transcript NM_001377304.1 (MANE Select); coding-DNA position 692, G replaced by T.
Protein change: p.Arg231Leu; replaces arginine 231 with leucine.
Molecular consequence: missense variant.
Genome position (GRCh38, 1-based): chr9:132,989,785, G>T. VCF-style: chr9-132989785-G-T. GRCh37 (hg19) VCF-style: chr9-135865172-G-T.
Other names: c.554G>T, p.Arg185Leu (NM_001135031.2, NM_001377305.1); c.758G>T, p.Arg253Leu (NM_001371908.1); c.692G>T, p.Arg231Leu (NM_004188.8); short protein forms R185L, R231L, R253L.
Identifiers: ClinVar variation 1705843 (VCV001705843.2), dbSNP rs761044764, ClinGen allele CA375380266.

ClinVar aggregate classification (germline): Pathogenic (1 of 4 stars; one submission).

Conditions:
Platelet-type bleeding disorder 17 (BDPLT17). Also called: Thrombasthenia-thrombocytopenia, hereditary. Identifiers: Orphanet 721, MedGen C1861194, MONDO:0008553, OMIM 187900.

Submission:

ISTH-SSC Genomics in Thrombosis and Hemostasis, KU Leuven, Center for Molecular and Vascular Biology
Classification: Pathogenic for Platelet-type bleeding disorder 17. Review status: criteria provided, single submitter. Criteria: ACMG Guidelines, 2015. Collection method: clinical testing. Allele origin: germline. Affected: yes. Observed: 1 heterozygote.
Comment: Submitted to GoldVariant by Jose María Bastida and José Rivera; Grupo Español de Alteraciones Plaquetarias Congénitas (GEAPC)